The following is an entry in ClinVar:

ClinVar aggregate classification (germline): Likely benign (1 of 4 stars; one submission).

Submission:

CeGaT Center for Human Genetics Tuebingen
Classification: Likely benign. Last evaluated: 2026-06-01. Review status: criteria provided, single submitter. Criteria: CeGaT Center For Human Genetics Tuebingen Variant Classification Criteria Version 2. Collection method: clinical testing. Allele origin: germline. Affected: yes. Observed: 3 variant alleles.
Comment: APOB: PM2:Supporting, BP4, BP7

NM_000384.3(APOB):c.3063G>A (p.Glu1021=)

Gene: APOB (apolipoprotein B; minus strand). Cytogenetic location: 2p24.1.
Variant type: single nucleotide variant.
Coding change: c.3063G>A on transcript NM_000384.3 (MANE Select); coding-DNA position 3063, G replaced by A.
Protein change: p.Glu1021=; no amino-acid change (glutamic acid 1021 retained).
Molecular consequence: synonymous variant.
Genome position (GRCh38, 1-based): chr2:21,019,050, C>T on the plus strand (G>A on the coding strand, the complement: APOB is on the minus strand). VCF-style: chr2-21019050-C-T. GRCh37 (hg19) VCF-style: chr2-21241922-C-T.
Identifiers: ClinVar variation 3778297 (VCV003778297.7).